The following is an entry in ClinVar:

NM_004360.5(CDH1):c.2409T>A (p.Asn803Lys)

Gene: CDH1 (cadherin 1; plus strand). Cytogenetic location: 16q22.1.
Variant type: single nucleotide variant.
Coding change: c.2409T>A on transcript NM_004360.5 (MANE Select); coding-DNA position 2409, T replaced by A.
Protein change: p.Asn803Lys; replaces asparagine 803 with lysine.
Molecular consequence: missense variant.
Genome position (GRCh38, 1-based): chr16:68,829,767, T>A. VCF-style: chr16-68829767-T-A. GRCh37 (hg19) VCF-style: chr16-68863670-T-A.
Other names: c.2226T>A, p.Asn742Lys (NM_001317184.2); c.861T>A, p.Asn287Lys (NM_001317185.2); c.444T>A, p.Asn148Lys (NM_001317186.2); short protein forms N287K, N148K, N742K, N803K.
Identifiers: ClinVar variation 3652237 (VCV003652237.2).

ClinVar aggregate classification (germline): Uncertain significance (1 of 4 stars; one submission).

Conditions:
Hereditary diffuse gastric adenocarcinoma (HDGC). Also called: DIFFUSE GASTRIC AND LOBULAR BREAST CANCER SYNDROME. Identifiers: Orphanet 26106, MedGen C1708349, MONDO:0007648, OMIM 137215.

Submission:

Labcorp Genetics (formerly Invitae), Labcorp
Classification: Uncertain significance for Hereditary diffuse gastric adenocarcinoma. Last evaluated: 2024-05-05. Review status: criteria provided, single submitter. Criteria: Invitae Variant Classification Sherloc (09022015). Collection method: clinical testing. Allele origin: germline.
Comment: This sequence change replaces asparagine, which is neutral and polar, with lysine, which is basic and polar, at codon 803 of the CDH1 protein (p.Asn803Lys). This variant is not present in population databases (gnomAD no frequency). This variant has not been reported in the literature in individuals affected with CDH1-related conditions. An algorithm developed to predict the effect of missense changes on protein structure and function (PolyPhen-2) suggests that this variant is likely to be disruptive. In summary, the available evidence is currently insufficient to determine the role of this variant in disease. Therefore, it has been classified as a Variant of Uncertain Significance.